The following is an entry in ClinVar:

NM_000059.4(BRCA2):c.1277A>C (p.Lys426Thr)

Gene: BRCA2 (BRCA2 DNA repair associated; plus strand). Cytogenetic location: 13q13.1.
Variant type: single nucleotide variant.
Coding change: c.1277A>C on transcript NM_000059.4 (MANE Select); coding-DNA position 1277, A replaced by C.
Protein change: p.Lys426Thr; replaces lysine 426 with threonine.
Molecular consequence: missense variant.
Genome position (GRCh38, 1-based): chr13:32,332,755, A>C. VCF-style: chr13-32332755-A-C. GRCh37 (hg19) VCF-style: chr13-32906892-A-C.
Other names: short protein forms K426T.
Identifiers: ClinVar variation 479333 (VCV000479333.19), dbSNP rs1421854019, ClinGen allele CA387762411.
Genomic context (GRCh38, chr13:32,332,755, plus strand): 5'-CCCAGATGGAGAAAATACCCCTATTGCATATTTCTTCATGTGACCAAAATATTTCAGAAA[A>C]AGACCTATTAGACACAGAGAACAAAAGAAAGAAAGATTTTCTTACTTCAGAGAATTCTTT-3'
Protein context (NP_000050.3, residues 416-436): ISSCDQNISE[Lys426Thr]DLLDTENKRK

ClinVar aggregate classification (germline): Conflicting classifications of pathogenicity. Review status: criteria provided, conflicting classifications (1 of 4 stars). 8 submissions from 8 submitters: Uncertain significance (6); Likely benign (2). Last evaluated 2025-06-27.

Conditions:
Hereditary breast ovarian cancer syndrome. Also called: Hereditary breast and ovarian cancer syndrome (HBOC); Hereditary breast and ovarian cancer syndrome; Breast and ovarian cancer; BRCA1- and BRCA2-Associated Hereditary Breast and Ovarian Cancer; Hereditary breast and ovarian cancer; Hereditary breast and/or ovarian cancer syndrome. Identifiers: Orphanet 145, MedGen C0677776, MeSH D061325, MONDO:0003582. Disease mechanism: loss of function.
Hereditary cancer-predisposing syndrome. Also called: Neoplastic Syndromes, Hereditary; Hereditary Cancer Syndrome; Hereditary neoplastic syndrome; Tumor predisposition. Identifiers: Orphanet 140162, MedGen C0027672, MeSH D009386, MONDO:0015356.

Allele frequency attached by ClinVar (database versions not stated): gnomAD exomes below 0.00001.
gnomAD v4.1: 3 of 1,608,346 alleles (0.00019%); highest among the groups gnomAD compares: Admixed American, 0.0017%; no homozygotes.

Submissions (8):

Labcorp Genetics (formerly Invitae), Labcorp
Classification: Uncertain significance for Hereditary breast ovarian cancer syndrome. Last evaluated: 2025-06-27. Review status: criteria provided, single submitter. Criteria: Invitae Variant Classification Sherloc (09022015). Collection method: clinical testing. Allele origin: germline.
Comment: This sequence change replaces lysine, which is basic and polar, with threonine, which is neutral and polar, at codon 426 of the BRCA2 protein (p.Lys426Thr). This variant is present in population databases (no rsID available, gnomAD 0.0009%). This missense change has been observed in individual(s) with clinical features of BRCA2-related conditions (PMID: 21520333). ClinVar contains an entry for this variant (Variation ID: 479333). Invitae Evidence Modeling of protein sequence and biophysical properties (such as structural, functional, and spatial information, amino acid conservation, physicochemical variation, residue mobility, and thermodynamic stability) indicates that this missense variant is not expected to disrupt BRCA2 protein function with a negative predictive value of 95%. In summary, the available evidence is currently insufficient to determine the role of this variant in disease. Therefore, it has been classified as a Variant of Uncertain Significance.

Molecular Diagnostics Laboratory, Catalan Institute of Oncology
Classification: Likely benign for Hereditary cancer-predisposing syndrome. Last evaluated: 2024-09-18. Review status: criteria provided, single submitter. Criteria: ClinGen BRCA1BRCA2 ACMG Specifications BRCA2 V1.0.0. Collection method: clinical testing. Allele origin: germline.
Comment: BP1_Strong c.1277A>C, located in exon 10 of the BRCA2 gene, is predicted to result in the substitution of lysine by threonine at codon 426, p.(Lys426Thr). This position is outside a (potentially) clinically important functional domain and, moreover, the SpliceAI algorithm predicts no significant impact on splicing (BP1_strong). This variant is found in 1/260642 alleles at a frequency of 0.0004% in the gnomAD v2.1.1 database, non-cancer dataset. To our knowledge, no well-established functional studies have been reported for this variant. It has been reported in patients with BRCA-related conditions (PMID: 28947987, 31853058 and data from our internal cohort of patients). This variant has been reported in the ClinVar database (5x uncertain significance, 1x benign), in the LOVD database (2x uncertain significance) and in BRCA Exchange database (where it has not been reviewed yet). Based on currently available information, the variant c.1277A>C should be considered a likely benign variant.

Hereditary Cancer Laboratory, Hospital Universitario 12 de Octubre
Classification: Uncertain significance for Hereditary cancer-predisposing syndrome. Last evaluated: 2024-09-16. Review status: criteria provided, single submitter. Criteria: ACMG Guidelines, 2015. Collection method: clinical testing. Allele origin: germline.
Comment: PM2 + BP4

Ambry Genetics
Classification: Uncertain significance for Hereditary cancer-predisposing syndrome. Last evaluated: 2024-05-09. Review status: criteria provided, single submitter. Criteria: Ambry Variant Classification Scheme 2023. Collection method: clinical testing. Allele origin: germline.
Comment: The p.K426T variant (also known as c.1277A>C), located in coding exon 9 of the BRCA2 gene, results from an A to C substitution at nucleotide position 1277. The lysine at codon 426 is replaced by threonine, an amino acid with similar properties. This amino acid position is not well conserved in available vertebrate species. In addition, this alteration is predicted to be tolerated by in silico analysis. Based on the available evidence, the clinical significance of this variant remains unclear.

GeneDx
Classification: Uncertain significance. Last evaluated: 2024-01-24. Review status: criteria provided, single submitter. Criteria: GeneDx Variant Classification Process June 2021. Collection method: clinical testing. Allele origin: germline. Affected: yes.
Comment: Observed in a patient with breast cancer (PMID: 28947987); In silico analysis supports that this missense variant does not alter protein structure/function; Not observed at significant frequency in large population cohorts (gnomAD); Also known as 1505A>C; This variant is associated with the following publications: (PMID: Samtani2019[CaseReport], 28947987)

University of Washington Department of Laboratory Medicine, University of Washington
Classification: Likely benign for Hereditary cancer-predisposing syndrome. Last evaluated: 2023-03-23. Review status: criteria provided, single submitter. Criteria: Dines et al. (Genet Med. 2020). Collection method: curation. Allele origin: germline.
Comment: Missense variant in a coldspot region where missense variants are very unlikely to be pathogenic (PMID:31911673).

BRCA2 exon 10 coldspot. Reclassification based on statistical prior probability.

Color Diagnostics, LLC DBA Color Health
Classification: Uncertain significance for Hereditary cancer-predisposing syndrome. Last evaluated: 2022-04-05. Review status: criteria provided, single submitter. Criteria: ACMG Guidelines, 2015. Collection method: clinical testing. Allele origin: germline.
Comment: This missense variant replaces lysine with threonine at codon 426 of the BRCA2 protein. Computational prediction suggests that this variant may not impact protein structure and function (internally defined REVEL score threshold <= 0.5, PMID: 27666373). To our knowledge, functional studies have not been reported for this variant. This variant has been reported in 1 individual affected with early-onset breast cancer (PMID: 28947987). This variant has been identified in 1/243758 chromosomes in the general population by the Genome Aggregation Database (gnomAD). The available evidence is insufficient to determine the role of this variant in disease conclusively. Therefore, this variant is classified as a Variant of Uncertain Significance.

Women's Health and Genetics/Laboratory Corporation of America, LabCorp
Classification: Uncertain significance. Last evaluated: 2017-08-21. Review status: criteria provided, single submitter. Criteria: LabCorp Variant Classification Summary - May 2015. Collection method: clinical testing. Allele origin: germline.
Comment: Variant summary: The BRCA2 c.1277A>C (p.Lys426Thr) variant involves the alteration of a conserved nucleotide. 4/5 in silico tools predict damaging outcome for this variant. This variant is absent in 120474 control chromosomes from ExAC. This variant has been found in one breast cancer patient who had positive family history (Solano_2016), however without strong evidence for or against pathogenicity. There are no functional studies published for this variant. Taken together, this variant is classified as Variant of Unknown Significance.

Literature cited by the submitters: PubMed 21520333 (cited by Labcorp Genetics (formerly Invitae), Labcorp); PubMed 28947987 (cited by Color Diagnostics, LLC DBA Color Health).